The following is an entry in ClinVar:

ClinVar aggregate classification (germline): Uncertain significance (1 of 4 stars; one submission).

gnomAD v4.1: 2 of 1,613,450 alleles (0.00012%); highest among the groups gnomAD compares: Non-Finnish European, 0.00017%; no homozygotes.

Submission:

GeneDx
Classification: Uncertain significance. Last evaluated: 2026-04-01. Review status: criteria provided, single submitter. Criteria: GeneDx Variant Classification Process June 2021. Collection method: clinical testing. Allele origin: germline.
Comment: Not observed at significant frequency in large population cohorts (gnomAD); In silico analysis supports that this missense variant has a deleterious effect on protein structure/function; Has not been previously published as pathogenic or benign to our knowledge

NM_002474.3(MYH11):c.3757A>G (p.Lys1253Glu)

Gene: MYH11 (myosin heavy chain 11; minus strand). Cytogenetic location: 16p13.11.
Variant type: single nucleotide variant.
Coding change: c.3757A>G on transcript NM_002474.3 (MANE Select); coding-DNA position 3757, A replaced by G.
Protein change: p.Lys1253Glu; replaces lysine 1253 with glutamic acid.
Molecular consequence: missense variant.
Genome position (GRCh38, 1-based): chr16:15,726,949, T>C on the plus strand (A>G on the coding strand, the complement: MYH11 is on the minus strand). VCF-style: chr16-15726949-T-C. GRCh37 (hg19) VCF-style: chr16-15820806-T-C.
Other names: c.3778A>G, p.Lys1260Glu (NM_001040113.2, NM_001040114.2); c.3757A>G, p.Lys1253Glu (NM_022844.3); short protein forms K1253E, K1260E.
Identifiers: ClinVar variation 5018020 (VCV005018020.1).